The following is an entry in ClinVar:

ClinVar aggregate classification (germline): Pathogenic (1 of 4 stars; one submission).

Conditions:
Leber congenital amaurosis 6 (LCA6). Identifiers: Orphanet 65, MedGen C1854260, MONDO:0013446, OMIM 613826.
Cone-rod dystrophy 13 (CORD13). Identifiers: Orphanet 1872, MedGen C2750720, MONDO:0011987, OMIM 608194.

Submission:

Labcorp Genetics (formerly Invitae), Labcorp
Classification: Pathogenic for Leber congenital amaurosis 6; Cone-rod dystrophy 13. Last evaluated: 2024-01-08. Review status: criteria provided, single submitter. Criteria: Invitae Variant Classification Sherloc (09022015). Collection method: clinical testing. Allele origin: unknown.
Comment: This variant is a gross deletion of the genomic region encompassing exon(s) 10 of the RPGRIP1 gene. This deletion is out-of-frame, and is expected to create a premature termination codon and result in an absent or disrupted protein product. Loss-of-function variants in RPGRIP1 are known to be pathogenic (PMID: 11528500, 23105016). This variant has not been reported in the literature in individuals affected with RPGRIP1-related conditions. For these reasons, this variant has been classified as Pathogenic.

Literature cited by the submitters: PubMed 11528500; PubMed 23105016.

NC_000014.8:g.(?_21785835)_(21786029_?)del

Gene: RPGRIP1 (RPGR interacting protein 1; plus strand). Cytogenetic location: 14q11.2.
Variant type: Deletion.
Identifiers: ClinVar variation 3243978 (VCV003243978.1).